The following is an entry in ClinVar:

NM_002458.3(MUC5B):c.14886C>T (p.Thr4962=)

Gene: MUC5B (mucin 5B, oligomeric mucus/gel-forming; plus strand). Cytogenetic location: 11p15.5.
Variant type: single nucleotide variant.
Coding change: c.14886C>T on transcript NM_002458.3 (MANE Select); coding-DNA position 14886, C replaced by T.
Protein change: p.Thr4962=; no amino-acid change (threonine 4962 retained).
Molecular consequence: synonymous variant.
Genome position (GRCh38, 1-based): chr11:1,252,365, C>T. VCF-style: chr11-1252365-C-T. GRCh37 (hg19) VCF-style: chr11-1273595-C-T.
Identifiers: ClinVar variation 3388146 (VCV003388146.14).
Genomic context (GRCh38, chr11:1,252,365, plus strand): 5'-GGGAGTGGCTTATCTTTCTATGGTGTTGTTCTTCACAGGGGAAGTCATCTACAATAAGAC[C>T]GACCGAGCCGGCTGCCATTTCTACGCAGTGTGCAATCAGCACTGTGACATTGACCGCTTC-3'
Protein context (NP_002449.2, residues 4952-4972): FSPGEVIYNK[Thr4962=]DRAGCHFYAV

ClinVar aggregate classification (germline): Likely benign (1 of 4 stars; one submission).

gnomAD v4.1: 677 of 1,573,398 alleles (0.043%); highest among the groups gnomAD compares: Non-Finnish European, 0.054%; 1 homozygote.

Submission:

CeGaT Center for Human Genetics Tuebingen
Classification: Likely benign. Last evaluated: 2024-10-01. Review status: criteria provided, single submitter. Criteria: CeGaT Center For Human Genetics Tuebingen Variant Classification Criteria Version 2. Collection method: clinical testing. Allele origin: germline. Affected: yes. Observed: 1 variant allele.
Comment: MUC5B: BP4, BP7